The following is an entry in ClinVar:

NM_001127208.3(TET2):c.955C>T (p.Pro319Ser)

Genes: TET2 (tet methylcytosine dioxygenase 2; plus strand), TET2-AS1 (TET2 antisense RNA 1; minus strand). Cytogenetic location: 4q24.
Variant type: single nucleotide variant.
Coding change: c.955C>T on transcript NM_001127208.3 (MANE Select); coding-DNA position 955, C replaced by T.
Protein change: p.Pro319Ser; replaces proline 319 with serine.
Molecular consequence: missense variant.
Genome position (GRCh38, 1-based): chr4:105,234,897, C>T. VCF-style: chr4-105234897-C-T. GRCh37 (hg19) VCF-style: chr4-106156054-C-T.
Other names: c.955C>T, p.Pro319Ser (NM_017628.4); short protein forms P319S.
Identifiers: ClinVar variation 4827267 (VCV004827267.1).

ClinVar aggregate classification (germline): Uncertain significance (1 of 4 stars; one submission).

Submission:

Ambry Genetics
Classification: Uncertain significance. Last evaluated: 2026-03-14. Review status: criteria provided, single submitter. Criteria: Ambry Variant Classification Scheme 2023. Collection method: clinical testing. Allele origin: germline.
Comment: The p.P319S variant (also known as c.955C>T), located in coding exon 1 of the TET2 gene, results from a C to T substitution at nucleotide position 955. The proline at codon 319 is replaced by serine, an amino acid with similar properties. This amino acid position is conserved. In addition, this alteration is predicted to be tolerated by in silico analysis. Based on the available evidence, the clinical significance of this variant remains unclear.